The following is an entry in ClinVar:

ClinVar aggregate classification (germline): Uncertain significance. Review status: criteria provided, multiple submitters, no conflicts (2 of 4 stars). 3 submissions from 3 submitters: Uncertain significance (3). Last evaluated 2024-05-22.

Conditions:
Combined oxidative phosphorylation defect type 20. Also called: Combined oxidative phosphorylation deficiency 20. Identifiers: Orphanet 420728, MedGen C4014660, MONDO:0014397, OMIM 615917.

Allele frequency attached by ClinVar (database versions not stated): ExAC 0.00008; gnomAD exomes 0.00008 and 0.00015; gnomAD 0.00010 and 0.00011; TOPMed 0.00010.

Submissions (3):

GeneDx
Classification: Uncertain significance. Last evaluated: 2024-05-22. Review status: criteria provided, single submitter. Criteria: GeneDx Variant Classification Process June 2021. Collection method: clinical testing. Allele origin: germline. Affected: yes.
Comment: Not observed at significant frequency in large population cohorts (gnomAD); In silico analysis indicates that this missense variant does not alter protein structure/function; Has not been previously published as pathogenic or benign to our knowledge

Labcorp Genetics (formerly Invitae), Labcorp
Classification: Uncertain significance. Last evaluated: 2022-08-21. Review status: criteria provided, single submitter. Criteria: Invitae Variant Classification Sherloc (09022015). Collection method: clinical testing. Allele origin: germline.
Comment: This sequence change replaces arginine, which is basic and polar, with glutamine, which is neutral and polar, at codon 1032 of the VARS2 protein (p.Arg1032Gln). This variant is present in population databases (rs767441762, gnomAD 0.01%). This variant has not been reported in the literature in individuals affected with VARS2-related conditions. ClinVar contains an entry for this variant (Variation ID: 1029204). Algorithms developed to predict the effect of missense changes on protein structure and function output the following: SIFT: "Deleterious"; PolyPhen-2: "Benign"; Align-GVGD: "Class C0". The glutamine amino acid residue is found in multiple mammalian species, which suggests that this missense change does not adversely affect protein function. In summary, the available evidence is currently insufficient to determine the role of this variant in disease. Therefore, it has been classified as a Variant of Uncertain Significance.

Baylor Genetics
Classification: Uncertain significance for Combined oxidative phosphorylation defect type 20. Last evaluated: 2019-02-15. Review status: criteria provided, single submitter. Criteria: ACMG Guidelines, 2015. Collection method: clinical testing. Allele origin: maternal. Affected: yes.
Comment: This variant was determined to be of uncertain significance according to ACMG Guidelines, 2015 [PMID:25741868].

NM_020442.6(VARS2):c.3005G>A (p.Arg1002Gln)

Gene: VARS2 (valyl-tRNA synthetase 2, mitochondrial; plus strand). Cytogenetic location: 6p21.33.
Variant type: single nucleotide variant.
Coding change: c.3005G>A on transcript NM_020442.6 (MANE Select); coding-DNA position 3005, G replaced by A.
Protein change: p.Arg1002Gln; replaces arginine 1002 with glutamine.
Molecular consequence: missense variant.
Genome position (GRCh38, 1-based): chr6:30,925,923, G>A. VCF-style: chr6-30925923-G-A. GRCh37 (hg19) VCF-style: chr6-30893700-G-A.
Other names: c.2585G>A, p.Arg862Gln (NM_001167733.3); c.3095G>A, p.Arg1032Gln (NM_001167734.2); short protein forms R862Q, R1032Q, R1002Q.
Identifiers: ClinVar variation 1029204 (VCV001029204.7), dbSNP rs767441762, ClinGen allele CA3706432.
Genomic context (GRCh38, chr6:30,925,923, plus strand): 5'-TCCCTGTTCTTCCCCAGGGCCTGGTGGACCCGCAGATCCAGCTACCTCTGTTAGCCGCCC[G>A]AAGGTACAAGTTGCAGAAGCAGCTTGACAGCCTCACAGCCAGGACCCCATCAGAAGGGGA-3'
Protein context (NP_065175.4, residues 992-1012): PQIQLPLLAA[Arg1002Gln]RYKLQKQLDS